The following is an entry in ClinVar:

ClinVar aggregate classification (germline): Uncertain significance. Review status: criteria provided, multiple submitters, no conflicts (2 of 4 stars). 2 submissions from 2 submitters: Uncertain significance (2). Last evaluated 2023-12-19.

Allele frequency attached by ClinVar (database versions not stated): gnomAD exomes 0.00001.
gnomAD v4.1: 4 of 1,613,136 alleles (0.00025%); highest among the groups gnomAD compares: Admixed American, 0.005%; no homozygotes.

Submissions (2):

Ambry Genetics
Classification: Uncertain significance. Last evaluated: 2023-12-19. Review status: criteria provided, single submitter. Criteria: Ambry Variant Classification Scheme 2023. Collection method: clinical testing. Allele origin: germline.

Labcorp Genetics (formerly Invitae), Labcorp
Classification: Uncertain significance. Last evaluated: 2022-05-22. Review status: criteria provided, single submitter. Criteria: Invitae Variant Classification Sherloc (09022015). Collection method: clinical testing. Allele origin: germline.
Comment: In summary, the available evidence is currently insufficient to determine the role of this variant in disease. Therefore, it has been classified as a Variant of Uncertain Significance. Algorithms developed to predict the effect of missense changes on protein structure and function are either unavailable or do not agree on the potential impact of this missense change (SIFT: "Not Available"; PolyPhen-2: "Benign"; Align-GVGD: "Not Available"). This variant has not been reported in the literature in individuals affected with PIK3C2A-related conditions. This variant is present in population databases (no rsID available, gnomAD 0.006%). This sequence change replaces histidine, which is basic and polar, with arginine, which is basic and polar, at codon 1029 of the PIK3C2A protein (p.His1029Arg).

NM_002645.4(PIK3C2A):c.3086A>G (p.His1029Arg)

Gene: PIK3C2A (phosphatidylinositol-4-phosphate 3-kinase catalytic subunit type 2 alpha; minus strand). Cytogenetic location: 11p15.1.
Variant type: single nucleotide variant.
Coding change: c.3086A>G on transcript NM_002645.4 (MANE Select); coding-DNA position 3086, A replaced by G.
Protein change: p.His1029Arg; replaces histidine 1029 with arginine.
Molecular consequence: missense variant.
Genome position (GRCh38, 1-based): chr11:17,117,621, T>C on the plus strand (A>G on the coding strand, the complement: PIK3C2A is on the minus strand). VCF-style: chr11-17117621-T-C. GRCh37 (hg19) VCF-style: chr11-17139168-T-C.
Other names: c.3086A>G (NM_002645.2); c.3086A>G, p.His1029Arg (NM_001321378.2); c.1946A>G, p.His649Arg (NM_001321380.2); c.2918A>G, p.His973Arg (NM_001386870.1); short protein forms H1029R, H973R, H649R.
Identifiers: ClinVar variation 1955019 (VCV001955019.6), dbSNP rs1231739827, ClinGen allele CA379759502.